The following is an entry in ClinVar:

ClinVar aggregate classification (germline): Uncertain significance (1 of 4 stars; one submission).

Submission:

Labcorp Genetics (formerly Invitae), Labcorp
Classification: Uncertain significance. Last evaluated: 2023-09-15. Review status: criteria provided, single submitter. Criteria: Invitae Variant Classification Sherloc (09022015). Collection method: clinical testing. Allele origin: germline.
Comment: In summary, the available evidence is currently insufficient to determine the role of this variant in disease. Therefore, it has been classified as a Variant of Uncertain Significance. An algorithm developed to predict the effect of missense changes on protein structure and function (PolyPhen-2) suggests that this variant is likely to be tolerated. This variant has not been reported in the literature in individuals affected with POLG2-related conditions. This variant is not present in population databases (gnomAD no frequency). This sequence change replaces glutamic acid, which is acidic and polar, with aspartic acid, which is acidic and polar, at codon 426 of the POLG2 protein (p.Glu426Asp).

NM_007215.4(POLG2):c.1278A>T (p.Glu426Asp)

Genes: MILR1 (mast cell immunoglobulin like receptor 1; plus strand), POLG2 (DNA polymerase gamma 2, accessory subunit; minus strand). Cytogenetic location: 17q23.3.
Variant type: single nucleotide variant.
Coding change: c.1278A>T on transcript NM_007215.4 (MANE Select); coding-DNA position 1278, A replaced by T.
Protein change: p.Glu426Asp; replaces glutamic acid 426 with aspartic acid.
Molecular consequence: missense variant.
Genome position (GRCh38, 1-based): chr17:64,480,303, T>A on the plus strand (A>T on the coding strand, the complement: POLG2 is on the minus strand). VCF-style: chr17-64480303-T-A. GRCh37 (hg19) VCF-style: chr17-62476420-T-A.
Other names: short protein forms E426D.
Identifiers: ClinVar variation 2760956 (VCV002760956.3), dbSNP rs782377410, ClinGen allele CA400635967.